The following is an entry in ClinVar:

ClinVar aggregate classification (germline): Conflicting classifications of pathogenicity. Review status: criteria provided, conflicting classifications (1 of 4 stars). 3 submissions from 3 submitters: Uncertain significance (2); Likely benign (1). Last evaluated 2025-10-11.

Conditions:
Inborn genetic diseases. Identifiers: MedGen C0950123, MeSH D030342.

Allele frequency attached by ClinVar (database versions not stated): ExAC 0.00003; TOPMed 0.00005; gnomAD exomes 0.00006; gnomAD 0.00007; ESP Exome Variant Server 0.00008.
gnomAD v4.1: 98 of 1,613,998 alleles (0.0061%); highest among the groups gnomAD compares: Non-Finnish European, 0.0076%; no homozygotes.

Submissions (3):

Labcorp Genetics (formerly Invitae), Labcorp
Classification: Uncertain significance. Last evaluated: 2025-10-11. Review status: criteria provided, single submitter. Criteria: Invitae Variant Classification Sherloc (09022015). Collection method: clinical testing. Allele origin: germline.
Comment: This sequence change replaces proline, which is neutral and non-polar, with leucine, which is neutral and non-polar, at codon 404 of the ARHGAP31 protein (p.Pro404Leu). This variant is present in population databases (rs374184198, gnomAD 0.008%). This variant has not been reported in the literature in individuals affected with ARHGAP31-related conditions. ClinVar contains an entry for this variant (Variation ID: 3128745). An algorithm developed to predict the effect of missense changes on protein structure and function outputs the following: PolyPhen-2: "Benign". The leucine amino acid residue is found in multiple mammalian species, which suggests that this missense change does not adversely affect protein function. In summary, the available evidence is currently insufficient to determine the role of this variant in disease. Therefore, it has been classified as a Variant of Uncertain Significance.

Women's Health and Genetics/Laboratory Corporation of America, LabCorp
Classification: Uncertain significance. Last evaluated: 2025-08-19. Review status: criteria provided, single submitter. Criteria: LabCorp Variant Classification Summary - May 2015. Collection method: clinical testing. Allele origin: germline.
Comment: Variant summary: ARHGAP31 c.1211C>T (p.Pro404Leu) results in a non-conservative amino acid change in the encoded protein sequence. Algorithms developed to predict the effect of missense changes on protein structure and function are either unavailable or do not agree on the potential impact of this missense change. The variant allele was found at a frequency of 3.2e-05 in 249486 control chromosomes. The available data on variant occurrences in the general population are insufficient to allow any conclusion about variant significance. To our knowledge, no occurrence of c.1211C>T in individuals affected with Adams-Oliver syndrome 1 and no experimental evidence demonstrating its impact on protein function have been reported. ClinVar contains an entry for this variant (Variation ID: 3128745). Based on the evidence outlined above, the variant was classified as uncertain significance.

Ambry Genetics
Classification: Likely benign for Inborn genetic diseases. Last evaluated: 2023-12-20. Review status: criteria provided, single submitter. Criteria: Ambry Variant Classification Scheme 2023. Collection method: clinical testing. Allele origin: germline.

NM_020754.4(ARHGAP31):c.1211C>T (p.Pro404Leu)

Gene: ARHGAP31 (Rho GTPase activating protein 31; plus strand). Cytogenetic location: 3q13.33.
Variant type: single nucleotide variant.
Coding change: c.1211C>T on transcript NM_020754.4 (MANE Select); coding-DNA position 1211, C replaced by T.
Protein change: p.Pro404Leu; replaces proline 404 with leucine.
Molecular consequence: missense variant.
Genome position (GRCh38, 1-based): chr3:119,401,963, C>T. VCF-style: chr3-119401963-C-T. GRCh37 (hg19) VCF-style: chr3-119120810-C-T.
Other names: short protein forms P404L.
Identifiers: ClinVar variation 3128745 (VCV003128745.4), dbSNP rs374184198, ClinGen allele CA2553780.